The following is an entry in ClinVar:

NM_022489.4(INF2):c.1458C>T (p.Phe486=)

Gene: INF2 (inverted formin 2; plus strand). Cytogenetic location: 14q32.33.
Variant type: single nucleotide variant.
Coding change: c.1458C>T on transcript NM_022489.4 (MANE Select); coding-DNA position 1458, C replaced by T.
Protein change: p.Phe486=; no amino-acid change (phenylalanine 486 retained).
Molecular consequence: synonymous variant.
Genome position (GRCh38, 1-based): chr14:104,707,725, C>T. VCF-style: chr14-104707725-C-T. GRCh37 (hg19) VCF-style: chr14-105174062-C-T.
Other names: c.1458C>T, p.Phe486= (NM_001031714.4).
Identifiers: ClinVar variation 1137635 (VCV001137635.15), dbSNP rs1420347614, ClinGen allele CA488716182.
Genomic context (GRCh38, chr14:104,707,725, plus strand): 5'-GGGGGCCATGGCCCCCCCAGCACCTCCTCTACCACCACCCCTGCCAGGCTCCTGTGAGTT[C>T]CTGCCCCCACCACCTCCACCACTCCCGGGCTTGGGATGCCCGCCCCCACCCCCACCCCTG-3'
Protein context (NP_071934.3, residues 476-496): LPPPLPGSCE[Phe486=]LPPPPPPLPG

ClinVar aggregate classification (germline): Conflicting classifications of pathogenicity. Review status: criteria provided, conflicting classifications (1 of 4 stars). 5 submissions from 5 submitters: Uncertain significance (1); Likely benign (3). 1 of the submissions does not count toward it. Last evaluated 2026-01-05.

Conditions:
Focal segmental glomerulosclerosis 5 (FSGS5). Identifiers: Orphanet 656, MedGen C2750475, MONDO:0013191, OMIM 613237.
Charcot-Marie-Tooth disease dominant intermediate E. Also called: CHARCOT-MARIE-TOOTH NEUROPATHY WITH FOCAL SEGMENTAL GLOMERULONEPHRITIS. Identifiers: Orphanet 93114, MedGen C4302667, MONDO:0013758, OMIM 614455.
INF2-related disorder. Also called: INF2-related condition.
Kidney disorder. Also called: renal disease; renal disorder; Nephropathy; Kidney disease; Kidney Diseases. Identifiers: MedGen C0022658, MONDO:0005240, HP:0000112.

Allele frequency attached by ClinVar (database versions not stated): gnomAD exomes 0.00006 and 0.00007; gnomAD 0.00007 and 0.00010.
gnomAD v4.1: 90 of 1,194,618 alleles (0.0075%); highest among the groups gnomAD compares: Admixed American, 0.022%; no homozygotes.

Submissions (5):

Labcorp Genetics (formerly Invitae), Labcorp
Classification: Likely benign for Charcot-Marie-Tooth disease dominant intermediate E; Focal segmental glomerulosclerosis 5. Last evaluated: 2026-01-05. Review status: criteria provided, single submitter. Criteria: Invitae Variant Classification Sherloc (09022015). Collection method: clinical testing. Allele origin: germline.

Women's Health and Genetics/Laboratory Corporation of America, LabCorp
Classification: Likely benign. Last evaluated: 2024-05-01. Review status: criteria provided, single submitter. Criteria: LabCorp Variant Classification Summary - May 2015. Collection method: clinical testing. Allele origin: germline.

Fulgent Genetics
Classification: Likely benign for Focal segmental glomerulosclerosis 5; Charcot-Marie-Tooth disease dominant intermediate E. Last evaluated: 2021-09-22. Review status: criteria provided, single submitter. Criteria: ACMG Guidelines, 2015. Collection method: clinical testing. Allele origin: unknown.

Genome Diagnostics Laboratory, The Hospital for Sick Children
Classification: Uncertain significance for Kidney disorder. Last evaluated: 2016-12-12. Review status: criteria provided, single submitter. Criteria: ACMG Guidelines, 2015. Collection method: clinical testing. Allele origin: germline.

PreventionGenetics, part of Exact Sciences
Classification: Likely benign for INF2-related condition. Last evaluated: 2024-01-25. Review status: no assertion criteria provided. Collection method: clinical testing. Allele origin: germline. Not counted in ClinVar's aggregate classification.
Comment: This variant is classified as likely benign based on ACMG/AMP sequence variant interpretation guidelines (Richards et al. 2015 PMID: 25741868, with internal and published modifications).